The following is an entry in ClinVar:

NM_002025.4(AFF2):c.3628A>G (p.Thr1210Ala)

Gene: AFF2 (ALF transcription elongation factor 2; plus strand). Cytogenetic location: Xq28.
Variant type: single nucleotide variant.
Coding change: c.3628A>G on transcript NM_002025.4 (MANE Select); coding-DNA position 3628, A replaced by G.
Protein change: p.Thr1210Ala; replaces threonine 1210 with alanine.
Molecular consequence: missense variant.
Genome position (GRCh38, 1-based): chrX:148,987,371, A>G. VCF-style: chrX-148987371-A-G. GRCh37 (hg19) VCF-style: chrX-148068901-A-G.
Other names: c.3523A>G, p.Thr1175Ala (NM_001169122.2, NM_001169124.2); c.3598A>G, p.Thr1200Ala (NM_001169123.2); c.3511A>G, p.Thr1171Ala (NM_001169125.2); c.2551A>G, p.Thr851Ala (NM_001170628.1); short protein forms T1171A, T1175A, T1200A, T1210A, T851A.
Identifiers: ClinVar variation 4537531 (VCV004537531.1).

ClinVar aggregate classification (germline): Uncertain significance (1 of 4 stars; one submission).

Submission:

GeneDx
Classification: Uncertain significance. Last evaluated: 2025-06-11. Review status: criteria provided, single submitter. Criteria: GeneDx Variant Classification Process June 2021. Collection method: clinical testing. Allele origin: germline. Affected: yes.
Comment: Not observed at significant frequency in large population cohorts (gnomAD); In silico analysis supports that this missense variant has a deleterious effect on protein structure/function; Has not been previously published as pathogenic or benign to our knowledge